The following is an entry in ClinVar:

NM_000257.4(MYH7):c.314T>A (p.Leu105His)

Gene: MYH7 (myosin heavy chain 7; minus strand). Cytogenetic location: 14q11.2.
Variant type: single nucleotide variant.
Coding change: c.314T>A on transcript NM_000257.4 (MANE Select); coding-DNA position 314, T replaced by A.
Protein change: p.Leu105His; replaces leucine 105 with histidine.
Molecular consequence: missense variant.
Genome position (GRCh38, 1-based): chr14:23,433,115, A>T on the plus strand (T>A on the coding strand, the complement: MYH7 is on the minus strand). VCF-style: chr14-23433115-A-T. GRCh37 (hg19) VCF-style: chr14-23902324-A-T.
Other names: c.314T>A, p.Leu105His (NM_001407004.1); short protein forms L105H.
Identifiers: ClinVar variation 3636063 (VCV003636063.2).

ClinVar aggregate classification (germline): Uncertain significance (1 of 4 stars; one submission).

Conditions:
Hypertrophic cardiomyopathy. Also called: HYPERTROPHIC MYOCARDIOPATHY. Identifiers: Orphanet 217569, MedGen C0007194, MeSH D002312, MONDO:0005045, HP:0001639.

Submission:

Labcorp Genetics (formerly Invitae), Labcorp
Classification: Uncertain significance for Hypertrophic cardiomyopathy. Last evaluated: 2024-07-08. Review status: criteria provided, single submitter. Criteria: Invitae Variant Classification Sherloc (09022015). Collection method: clinical testing. Allele origin: germline.
Comment: This sequence change replaces leucine, which is neutral and non-polar, with histidine, which is basic and polar, at codon 105 of the MYH7 protein (p.Leu105His). This variant is not present in population databases (gnomAD no frequency). This variant has not been reported in the literature in individuals affected with MYH7-related conditions. Advanced modeling of protein sequence and biophysical properties (such as structural, functional, and spatial information, amino acid conservation, physicochemical variation, residue mobility, and thermodynamic stability) performed at Invitae indicates that this missense variant is expected to disrupt MYH7 protein function with a positive predictive value of 95%. In summary, the available evidence is currently insufficient to determine the role of this variant in disease. Therefore, it has been classified as a Variant of Uncertain Significance.